The following is an entry in ClinVar:

ClinVar aggregate classification (germline): Likely pathogenic (1 of 4 stars; one submission).

Conditions:
Bosch-Boonstra-Schaaf optic atrophy syndrome (BBSOAS). Also called: NR2F1-Related Neurodevelopmental Disorder. Identifiers: Orphanet 401777, MedGen C3810363, MONDO:0014320, OMIM 615722.

Submission:

Dasa
Classification: Likely pathogenic for Bosch-Boonstra-Schaaf optic atrophy syndrome. Last evaluated: 2025-09-23. Review status: criteria provided, single submitter. Criteria: DASA Assertion Criteria. Collection method: clinical testing. Allele origin: germline.
Comment: NM_005654.6(NR2F1):c.325_326del (p.Phe109Leufs*287) is a frameshift variant in NR2F1 predicted to alter the reading frame and introduce a premature termination codon and is predicted to result in an absent or altered protein product. Loss of function is an established disease mechanism for NR2F1 (PMID: 32275123; PMID: 23300014; PMID: 32712214). Also, this variant is absent from population databases. Based on the currently available evidence, this variant is classified as likely pathogenic.

Literature cited by the submitters: PubMed 32275123; PubMed 23300014; PubMed 32712214.

NM_005654.6(NR2F1):c.325_326del (p.Phe109fs)

Genes: NR2F1 (nuclear receptor subfamily 2 group F member 1; plus strand), NR2F1-AS1 (NR2F1 regulatory antisense RNA 1; minus strand). Cytogenetic location: 5q15.
Variant type: Deletion.
Coding change: c.325_326del on transcript NM_005654.6 (MANE Select); coding-DNA positions 325 to 326, 2 bases deleted (TT; older notation c.325_326delTT).
Protein change: p.Phe109fs; shifts the reading frame from phenylalanine 109.
Molecular consequence: frameshift variant. On other transcripts: non-coding transcript variant (4).
Genome position (GRCh38, 1-based): chr5:93,585,348-93,585,349, TT deleted; deleting any 2 consecutive bases within chr5:93,585,347-93,585,349 gives the same sequence; the c. name uses the placement nearest the transcript's 3' end. VCF-style (leftmost placement, unchanged base first): chr5-93585346-GTT-G. GRCh37 (hg19) VCF-style: chr5-92921052-GTT-G.
Other names: short protein forms F109fs.
Identifiers: ClinVar variation 4880673 (VCV004880673.2).